The following is an entry in ClinVar:

ClinVar aggregate classification (germline): Uncertain significance (0 of 4 stars; one submission).

Conditions:
SETD2-related disorder.

Submission:

PreventionGenetics, part of Exact Sciences
Classification: Uncertain significance for SETD2-related condition. Last evaluated: 2024-05-20. Review status: no assertion criteria provided. Collection method: clinical testing. Allele origin: germline.
Comment: The SETD2 c.2476A>G variant is predicted to result in the amino acid substitution p.Asn826Asp. To our knowledge, this variant has not been reported in the literature or in a large population database, indicating this variant is rare. At this time, the clinical significance of this variant is uncertain due to the absence of conclusive functional and genetic evidence.

NM_014159.7(SETD2):c.2476A>G (p.Asn826Asp)

Gene: SETD2 (SET domain containing 2, histone lysine methyltransferase; minus strand). Cytogenetic location: 3p21.31.
Variant type: single nucleotide variant.
Coding change: c.2476A>G on transcript NM_014159.7 (MANE Select); coding-DNA position 2476, A replaced by G.
Protein change: p.Asn826Asp; replaces asparagine 826 with aspartic acid.
Molecular consequence: missense variant. On other transcripts: non-coding transcript variant (1).
Genome position (GRCh38, 1-based): chr3:47,122,160, T>C on the plus strand (A>G on the coding strand, the complement: SETD2 is on the minus strand). VCF-style: chr3-47122160-T-C. GRCh37 (hg19) VCF-style: chr3-47163650-T-C.
Other names: c.2344A>G, p.Asn782Asp (NM_001349370.3); short protein forms N782D, N826D.
Identifiers: ClinVar variation 3061353 (VCV003061353.2), dbSNP rs2106670792, ClinGen allele CA352526330.